The following is an entry in ClinVar:

ClinVar aggregate classification (germline): Uncertain significance. Review status: criteria provided, single submitter (1 of 4 stars). 2 submissions from 2 submitters: Uncertain significance (1). 1 of the submissions does not count toward it. Last evaluated 2025-06-12.

Conditions:
PKD1-related disorder. Also called: PKD1-related condition.
Inborn genetic diseases. Identifiers: MedGen C0950123, MeSH D030342.

Allele frequency attached by ClinVar (database versions not stated): gnomAD exomes below 0.00001.
gnomAD v4.1: 3 of 1,360,358 alleles (0.00022%); highest among the groups gnomAD compares: Admixed American, 0.0059%; no homozygotes.

Submissions (2):

Ambry Genetics
Classification: Uncertain significance for Inborn genetic diseases. Last evaluated: 2025-06-12. Review status: criteria provided, single submitter. Criteria: Ambry Variant Classification Scheme 2023. Collection method: clinical testing. Allele origin: germline.

PreventionGenetics, part of Exact Sciences
Classification: Uncertain significance for PKD1-related condition. Last evaluated: 2023-10-25. Review status: no assertion criteria provided. Collection method: clinical testing. Allele origin: germline. Not counted in ClinVar's aggregate classification.
Comment: The PKD1 c.265A>G variant is predicted to result in the amino acid substitution p.Asn89Asp. To our knowledge, this variant has not been reported in the literature. This variant is reported in 0.0082% of alleles in individuals of Latino descent in gnomAD. Of note, a different substitution at the same codon defined as c.266A>C (p.Asn89Thr) has been reported in an individual with autosomal dominant polycystic kidney disease (ADPKD), but the clinical significance is uncertain (Yu et al. 2022. PubMed ID: 35778421, supplementary table 2). At this time, the clinical significance of the p.Asn89Asp variant in this patient is uncertain due to the absence of conclusive functional and genetic evidence.

NM_001009944.3(PKD1):c.265A>G (p.Asn89Asp)

Gene: PKD1 (polycystin 1, transient receptor potential channel interacting; minus strand). Cytogenetic location: 16p13.3.
Variant type: single nucleotide variant.
Coding change: c.265A>G on transcript NM_001009944.3 (MANE Select); coding-DNA position 265, A replaced by G.
Protein change: p.Asn89Asp; replaces asparagine 89 with aspartic acid.
Molecular consequence: missense variant.
Genome position (GRCh38, 1-based): chr16:2,119,329, T>C on the plus strand (A>G on the coding strand, the complement: PKD1 is on the minus strand). VCF-style: chr16-2119329-T-C. GRCh37 (hg19) VCF-style: chr16-2169330-T-C.
Other names: c.265A>G, p.Asn89Asp (NM_000296.4); c.265A>G (NM_000296.3); short protein forms N89D.
Identifiers: ClinVar variation 3029925 (VCV003029925.3), dbSNP rs1287585087, ClinGen allele CA394396193.